The following is an entry in ClinVar:

NM_006059.4(LAMC3):c.4377+5G>A

Gene: LAMC3 (laminin subunit gamma 3; plus strand). Cytogenetic location: 9q34.12.
Variant type: single nucleotide variant.
Coding change: c.4377+5G>A on transcript NM_006059.4 (MANE Select); 5 bases into the intron after coding-DNA position 4377, G replaced by A.
Molecular consequence: intron variant.
Genome position (GRCh38, 1-based): chr9:131,087,627, G>A. VCF-style: chr9-131087627-G-A. GRCh37 (hg19) VCF-style: chr9-133963014-G-A.
Identifiers: ClinVar variation 2876394 (VCV002876394.1), dbSNP rs560682534, ClinGen allele CA200682517.
Genomic context (GRCh38, chr9:131,087,627, plus strand): 5'-CCCAGCAGGTGCTGGCGTCTGAAGCACGCAGACAGGAGCTGGAGGAAGCTGAGCGGGTAC[G>A]TTTGCCAGGGCCCCTACCCTATCGCCTCCTGCCCCTGGCAGCCCGGGTGGGGACGCCATT-3'

ClinVar aggregate classification (germline): Uncertain significance (1 of 4 stars; one submission).

gnomAD v4.1: 9 of 1,613,744 alleles (0.00056%); highest among the groups gnomAD compares: South Asian, 0.0011%; no homozygotes.

Submission:

Labcorp Genetics (formerly Invitae), Labcorp
Classification: Uncertain significance. Last evaluated: 2023-12-11. Review status: criteria provided, single submitter. Criteria: Invitae Variant Classification Sherloc (09022015). Collection method: clinical testing. Allele origin: germline.
Comment: This sequence change falls in intron 26 of the LAMC3 gene. It does not directly change the encoded amino acid sequence of the LAMC3 protein. It affects a nucleotide within the consensus splice site. This variant is present in population databases (no rsID available, gnomAD no frequency). This variant has not been reported in the literature in individuals affected with LAMC3-related conditions. Variants that disrupt the consensus splice site are a relatively common cause of aberrant splicing (PMID: 17576681, 9536098). Algorithms developed to predict the effect of sequence changes on RNA splicing suggest that this variant is not likely to affect RNA splicing. In summary, the available evidence is currently insufficient to determine the role of this variant in disease. Therefore, it has been classified as a Variant of Uncertain Significance.

Literature cited by the submitters: PubMed 17576681; PubMed 9536098.